The following is an entry in ClinVar:

NM_017514.5(PLXNA3):c.2885C>T (p.Ala962Val)

Gene: PLXNA3 (plexin A3; plus strand). Cytogenetic location: Xq28.
Variant type: single nucleotide variant.
Coding change: c.2885C>T on transcript NM_017514.5 (MANE Select); coding-DNA position 2885, C replaced by T.
Protein change: p.Ala962Val; replaces alanine 962 with valine.
Molecular consequence: missense variant.
Genome position (GRCh38, 1-based): chrX:154,466,461, C>T. VCF-style: chrX-154466461-C-T. GRCh37 (hg19) VCF-style: chrX-153694804-C-T.
Other names: short protein forms A962V.
Identifiers: ClinVar variation 3354291 (VCV003354291.1).
Genomic context (GRCh38, chrX:154,466,461, plus strand): 5'-CCAGCCGTGGCCCGGCGTCCGGGGGCACACGGCTTACCATCTCAGGCAGCTCTCTGGATG[C>T]TGGCAGCAGGGTCACAGTGACTGTGAGGGACAGCGAGTGCCAGTTTGTAAGGTGGGCCGG-3'
Protein context (NP_059984.3, residues 952-972): RLTISGSSLD[Ala962Val]GSRVTVTVRD

ClinVar aggregate classification (germline): Uncertain significance (0 of 4 stars; one submission).

Conditions:
PLXNA3-related disorder. Also called: PLXNA3-related condition.

Submission:

PreventionGenetics, part of Exact Sciences
Classification: Uncertain significance for PLXNA3-related condition. Last evaluated: 2024-02-14. Review status: no assertion criteria provided. Collection method: clinical testing. Allele origin: germline.
Comment: The PLXNA3 c.2885C>T variant is predicted to result in the amino acid substitution p.Ala962Val. To our knowledge, this variant has not been reported in the literature. This variant is reported in 0.0074% of alleles in individuals of Latino descent in gnomAD. At this time, the clinical significance of this variant is uncertain due to the absence of conclusive functional and genetic evidence.